The following is an entry in ClinVar:

ClinVar aggregate classification (germline): Uncertain significance (1 of 4 stars; one submission).

Conditions:
EGFR-related lung cancer (EGFR). Identifiers: MedGen CN130014.

Submission:

Labcorp Genetics (formerly Invitae), Labcorp
Classification: Uncertain significance for EGFR-related lung cancer. Last evaluated: 2021-09-01. Review status: criteria provided, single submitter. Criteria: Invitae Variant Classification Sherloc (09022015). Collection method: clinical testing. Allele origin: germline.
Comment: This sequence change replaces alanine with aspartic acid at codon 1000 of the EGFR protein (p.Ala1000Asp). The alanine residue is weakly conserved and there is a moderate physicochemical difference between alanine and aspartic acid. This variant is not present in population databases (ExAC no frequency). This variant has not been reported in the literature in individuals affected with EGFR-related conditions. Algorithms developed to predict the effect of missense changes on protein structure and function (SIFT, PolyPhen-2, Align-GVGD) all suggest that this variant is likely to be tolerated. In summary, the available evidence is currently insufficient to determine the role of this variant in disease. Therefore, it has been classified as a Variant of Uncertain Significance.

NM_005228.5(EGFR):c.2999C>A (p.Ala1000Asp)

Gene: EGFR (epidermal growth factor receptor; plus strand). Cytogenetic location: 7p11.2.
Variant type: single nucleotide variant.
Coding change: c.2999C>A on transcript NM_005228.5 (MANE Select); coding-DNA position 2999, C replaced by A.
Protein change: p.Ala1000Asp; replaces alanine 1000 with aspartic acid.
Molecular consequence: missense variant.
Genome position (GRCh38, 1-based): chr7:55,201,240, C>A. VCF-style: chr7-55201240-C-A. GRCh37 (hg19) VCF-style: chr7-55268933-C-A.
Other names: c.2864C>A, p.Ala955Asp (NM_001346897.2, NM_001346899.2); c.2999C>A, p.Ala1000Asp (NM_001346898.2); c.2840C>A, p.Ala947Asp (NM_001346900.2); c.2198C>A, p.Ala733Asp (NM_001346941.2); short protein forms A1000D, A947D, A955D, A733D.
Identifiers: ClinVar variation 1039275 (VCV001039275.6), dbSNP rs1787833607, ClinGen allele CA367582444.
Genomic context (GRCh38, chr7:55,201,240, plus strand): 5'-TGCACCAGGGGGATGAAAGAATGCATTTGCCAAGTCCTACAGACTCCAACTTCTACCGTG[C>A]CCTGATGGATGAAGAAGACATGGACGACGTGGTGGATGCCGACGAGTACCTCATCCCACA-3'
Protein context (NP_005219.2, residues 990-1010): PSPTDSNFYR[Ala1000Asp]LMDEEDMDDV